The following is an entry in ClinVar:

GRCh37/hg19 2q31.1(chr2:170134234-170137049)

Gene: LRP2 (LDL receptor related protein 2; minus strand). Cytogenetic location: 2q31.1.
Variant type: copy number loss.
Identifiers: ClinVar variation 1179162 (VCV001179162.2).

ClinVar aggregate classification (germline): Likely pathogenic (0 of 4 stars; one submission).

Conditions:
Donnai-Barrow syndrome. Also called: DBS/FOAR SYNDROME; FACIOOCULOACOUSTICORENAL SYNDROME. Identifiers: Orphanet 2143, MedGen C1857277, MONDO:0009104, OMIM 222448.

Submission:

Fulgent Genetics
Classification: Likely pathogenic for Donnai-Barrow syndrome. Review status: no assertion criteria provided. Collection method: clinical testing. Allele origin: unknown.
Comment: This variant has been detected in individual(s) who were sent for testing of Renasight - kidney gene panel.